The following is an entry in ClinVar:

ClinVar aggregate classification (germline): Conflicting classifications of pathogenicity. Review status: criteria provided, conflicting classifications (1 of 4 stars). 2 submissions from 2 submitters: Likely pathogenic (1); Uncertain significance (1). Last evaluated 2022-12-07.

Submissions (2):

GeneDx
Classification: Likely pathogenic. Last evaluated: 2022-12-07. Review status: criteria provided, single submitter. Criteria: GeneDx Variant Classification Process June 2021. Collection method: clinical testing. Allele origin: germline. Affected: yes.
Comment: Nonsense variant in the C-terminus predicted to result in protein truncation, as the last 34 amino acids are lost, and other loss-of-function variants have been reported downstream in HGMD.; Not observed at significant frequency in large population cohorts (gnomAD); Has not been previously published as pathogenic or benign to our knowledge

Labcorp Genetics (formerly Invitae), Labcorp
Classification: Uncertain significance. Last evaluated: 2021-06-15. Review status: criteria provided, single submitter. Criteria: Invitae Variant Classification Sherloc (09022015). Collection method: clinical testing. Allele origin: germline.
Comment: In summary, the available evidence is currently insufficient to determine the role of this variant in disease. Therefore, it has been classified as a Variant of Uncertain Significance. This variant has not been reported in the literature in individuals with CTNNB1-related conditions. This sequence change creates a premature translational stop signal (p.Tyr748*) in the CTNNB1 gene. While this is not anticipated to result in nonsense mediated decay, it is expected to disrupt the last 34 amino acid(s) of the CTNNB1 protein. This variant is not present in population databases (ExAC no frequency).

NM_001904.4(CTNNB1):c.2239_2242dup (p.Tyr748Ter)

Gene: CTNNB1 (catenin beta 1; plus strand). Cytogenetic location: 3p22.1.
Variant type: Duplication.
Coding change: c.2239_2242dup on transcript NM_001904.4 (MANE Select); coding-DNA positions 2239 to 2242, 4 bases duplicated (GACT; older notation c.2239_2242dupGACT).
Protein change: p.Tyr748Ter; replaces tyrosine 748 with a stop codon.
Molecular consequence: nonsense.
Genome position (GRCh38, 1-based): chr3:41,239,235-41,239,238, GACT duplicated; duplicating any 4 consecutive bases within chr3:41,239,233-41,239,238 gives the same sequence; the c. name uses the placement nearest the transcript's 3' end. VCF-style (leftmost placement, unchanged base first): chr3-41239232-G-GCTGA. GRCh37 (hg19) VCF-style: chr3-41280723-G-GCTGA.
Other names: c.2239_2242dup, p.Tyr748Ter (NM_001098209.2, NM_001098210.2); c.2218_2221dup, p.Tyr741Ter (NM_001330729.2); short protein forms Y748*, Y741*.
Identifiers: ClinVar variation 1375419 (VCV001375419.7), dbSNP rs2125653590, ClinGen allele CA2573136951.
Genomic context (GRCh38, chr3:41,239,232, plus strand): 5'-CAGGATGCCTTGGGTATGGACCCCATGATGGAACATGAGATGGGTGGCCACCACCCTGGT[G>GCTGA]CTGACTATCCAGTTGATGGGCTGCCAGATCTGGGGCATGCCCAGGACCTCATGGATGGGC-3'